The following is an entry in ClinVar:

NM_001098.3(ACO2):c.836-14C>T

Gene: ACO2 (aconitase 2; plus strand). Cytogenetic location: 22q13.2.
Variant type: single nucleotide variant.
Coding change: c.836-14C>T on transcript NM_001098.3 (MANE Select); 14 bases into the intron before coding-DNA position 836, C replaced by T.
Molecular consequence: intron variant.
Genome position (GRCh38, 1-based): chr22:41,517,513, C>T. VCF-style: chr22-41517513-C-T. GRCh37 (hg19) VCF-style: chr22-41913517-C-T.
Identifiers: ClinVar variation 391241 (VCV000391241.8), dbSNP rs1057524014, ClinGen allele CA16609102.

ClinVar aggregate classification (germline): Likely benign. Review status: criteria provided, multiple submitters, no conflicts (2 of 4 stars). 2 submissions from 2 submitters: Likely benign (2). Last evaluated 2022-01-04.

gnomAD v4.1: 7 of 1,612,536 alleles (0.00043%); highest among the groups gnomAD compares: Non-Finnish European, 0.00059%; no homozygotes.

Submissions (2):

Labcorp Genetics (formerly Invitae), Labcorp
Classification: Likely benign. Last evaluated: 2022-01-04. Review status: criteria provided, single submitter. Criteria: Invitae Variant Classification Sherloc (09022015). Collection method: clinical testing. Allele origin: germline.

GeneDx
Classification: Likely benign. Last evaluated: 2016-12-19. Review status: criteria provided, single submitter. Criteria: GeneDx Variant Classification (06012015). Collection method: clinical testing. Allele origin: germline. Affected: yes.
Comment: This variant is considered likely benign or benign based on one or more of the following criteria: it is a conservative change, it occurs at a poorly conserved position in the protein, it is predicted to be benign by multiple in silico algorithms, and/or has population frequency not consistent with disease.